The following is an entry in ClinVar:

NM_007294.4(BRCA1):c.5312C>T (p.Pro1771Leu)

Gene: BRCA1 (BRCA1 DNA repair associated; minus strand). Cytogenetic location: 17q21.31.
Variant type: single nucleotide variant.
Coding change: c.5312C>T on transcript NM_007294.4 (MANE Select); coding-DNA position 5312, C replaced by T.
Protein change: p.Pro1771Leu; replaces proline 1771 with leucine.
Molecular consequence: missense variant. On other transcripts: non-coding transcript variant (1).
Genome position (GRCh38, 1-based): chr17:43,051,083, G>A on the plus strand (C>T on the coding strand, the complement: BRCA1 is on the minus strand). VCF-style: chr17-43051083-G-A. GRCh37 (hg19) VCF-style: chr17-41203100-G-A.
Other names: c.5312C>T, p.Pro1771Leu (NM_001407603.1, NM_001407605.1, NM_001407602.1 and 6 more transcripts); c.5309C>T, p.Pro1770Leu (NM_001407610.1, NM_001407611.1, NM_001407612.1 and 17 more transcripts); c.5306C>T, p.Pro1769Leu (NM_001407627.1, NM_001407628.1, NM_001407629.1 and 14 more transcripts); c.5189C>T, p.Pro1730Leu (NM_001407668.1, NM_001407669.1, NM_001407664.1 and 5 more transcripts); c.5186C>T, p.Pro1729Leu (NM_001407670.1, NM_001407671.1, NM_001407672.1 and 10 more transcripts); c.5297C>T, p.Pro1766Leu (NM_001407647.1); c.5255C>T, p.Pro1752Leu (NM_001407648.1); c.5252C>T, p.Pro1751Leu (NM_001407649.1); and 72 more; short protein forms P1771L, P667L, P1724L, P1792L, P1475L, P1644L, P1681L, P1683L.
Identifiers: ClinVar variation 55519 (VCV000055519.13), dbSNP rs80357025, ClinGen allele CA003467.

ClinVar aggregate classification (germline): Conflicting classifications of pathogenicity. Review status: criteria provided, conflicting classifications (1 of 4 stars). 4 submissions from 4 submitters: Uncertain significance (2); Likely benign (1). 1 of the submissions does not count toward it. Last evaluated 2025-10-28.

Conditions:
Hereditary cancer-predisposing syndrome. Also called: Hereditary Cancer Syndrome; Hereditary neoplastic syndrome; Neoplastic Syndromes, Hereditary; Tumor predisposition. Identifiers: Orphanet 140162, MedGen C0027672, MeSH D009386, MONDO:0015356.
Breast-ovarian cancer, familial, susceptibility to, 1 (BROVCA1). Also called: BRCA1 Hereditary Breast and Ovarian Cancer; OVARIAN CANCER, SUSCEPTIBILITY TO. Identifiers: Orphanet 145, MedGen C2676676, MONDO:0011450, OMIM 604370. Disease mechanism: loss of function.
Hereditary breast ovarian cancer syndrome. Also called: BRCA1- and BRCA2-Associated Hereditary Breast and Ovarian Cancer; Hereditary breast and ovarian cancer syndrome; Hereditary breast and ovarian cancer syndrome (HBOC); Breast and ovarian cancer; Hereditary breast and/or ovarian cancer syndrome; Hereditary breast and ovarian cancer. Identifiers: Orphanet 145, MedGen C0677776, MeSH D061325, MONDO:0003582. Disease mechanism: loss of function.

Submissions (5):

Labcorp Genetics (formerly Invitae), Labcorp
Classification: Uncertain significance for Hereditary breast ovarian cancer syndrome. Last evaluated: 2025-10-28. Review status: criteria provided, single submitter. Criteria: Invitae Variant Classification Sherloc (09022015). Collection method: clinical testing. Allele origin: germline.
Comment: This sequence change replaces proline, which is neutral and non-polar, with leucine, which is neutral and non-polar, at codon 1771 of the BRCA1 protein (p.Pro1771Leu). This variant is not present in population databases (gnomAD no frequency). This variant has not been reported in the literature in individuals affected with BRCA1-related conditions. ClinVar contains an entry for this variant (Variation ID: 55519). Invitae Evidence Modeling of protein sequence and biophysical properties (such as structural, functional, and spatial information, amino acid conservation, physicochemical variation, residue mobility, and thermodynamic stability) indicates that this missense variant is expected to disrupt BRCA1 protein function with a positive predictive value of 95%. Experimental studies have shown that this missense change does not substantially affect BRCA1 function (PMID: 20516115). In summary, the available evidence is currently insufficient to determine the role of this variant in disease. Therefore, it has been classified as a Variant of Uncertain Significance.

Color Diagnostics, LLC DBA Color Health
Classification: Uncertain significance for Hereditary cancer-predisposing syndrome. Last evaluated: 2022-05-23. Review status: criteria provided, single submitter. Criteria: ACMG Guidelines, 2015. Collection method: clinical testing. Allele origin: germline.
Comment: This missense variant replaces proline with leucine at codon 1771 of the BRCA1 protein. Computational prediction suggests that this variant may have deleterious impact on protein structure and function (internally defined REVEL score threshold >= 0.7, PMID: 27666373). A functional study has shown that this variant results in no protein folding defect, has normal peptide binding activity and specificity, and normal transcription activity (PMID: 20516115). This variant has also been reported to be functional in a haploid cell proliferation assay (PMID: 30209399). To our knowledge, this variant has not been reported in individuals affected with hereditary cancer in the literature. This variant has not been identified in the general population by the Genome Aggregation Database (gnomAD). The available evidence is insufficient to determine the role of this variant in disease conclusively. Therefore, this variant is classified as a Variant of Uncertain Significance.

Ambry Genetics
Classification: Likely benign for Hereditary cancer-predisposing syndrome. Last evaluated: 2021-02-18. Review status: criteria provided, single submitter. Criteria: Ambry Variant Classification Scheme 2023. Collection method: clinical testing. Allele origin: germline.

Breast Cancer Information Core (BIC) (BRCA1)
Classification: Uncertain significance for Breast-ovarian cancer, familial 1. Last evaluated: 1998-07-10. Review status: no assertion criteria provided. Collection method: clinical testing. Allele origin: germline. Affected: yes. Observed: 1 variant allele. Not counted in ClinVar's aggregate classification.

Brotman Baty Institute, University of Washington
No classification provided (evidence only). Condition: Breast-ovarian cancer, familial 1. Review status: no classification provided. Collection method: in vitro. Allele origin: not applicable. Functional consequence: functionally_normal. Not counted in ClinVar's aggregate classification.
ClinVar note: "not provided" was previously submitted as the classification for the variant. However, the classification appeared to be based only on an observation of functional data so it was converted to no classification on 2025-07-30.

Literature cited by the submitters: PubMed 20516115 (cited by 3 submitters); PubMed 30209399 (cited by Color Diagnostics, LLC DBA Color Health and Ambry Genetics); PubMed 10946236 (cited by Ambry Genetics); PubMed 14534301 (cited by Ambry Genetics); PubMed 15172985 (cited by Ambry Genetics); PubMed 15385441 (cited by Ambry Genetics); PubMed 17305420 (cited by Ambry Genetics); PubMed 28781887 (cited by Ambry Genetics); PubMed 29884841 (cited by Ambry Genetics).